The following is an entry in ClinVar:

ClinVar aggregate classification (germline): Uncertain significance. Review status: criteria provided, single submitter (1 of 4 stars). 2 submissions from 2 submitters: Uncertain significance (1). 1 of the submissions does not count toward it. Last evaluated 2025-10-07.

Conditions:
TRPM1-related disorder. Also called: TRPM1-related condition.

gnomAD v4.1: 60 of 1,613,974 alleles (0.0037%); highest among the groups gnomAD compares: Non-Finnish European, 0.0049%; no homozygotes.

Submissions (2):

Labcorp Genetics (formerly Invitae), Labcorp
Classification: Uncertain significance. Last evaluated: 2025-10-07. Review status: criteria provided, single submitter. Criteria: Invitae Variant Classification Sherloc (09022015). Collection method: clinical testing. Allele origin: germline.
Comment: This sequence change replaces leucine, which is neutral and non-polar, with proline, which is neutral and non-polar, at codon 466 of the TRPM1 protein (p.Leu466Pro). This variant is present in population databases (no rsID available, gnomAD 0.002%). This variant has not been reported in the literature in individuals affected with TRPM1-related conditions. ClinVar contains an entry for this variant (Variation ID: 3347090). Invitae Evidence Modeling of protein sequence and biophysical properties (such as structural, functional, and spatial information, amino acid conservation, physicochemical variation, residue mobility, and thermodynamic stability) indicates that this missense variant is expected to disrupt TRPM1 protein function with a positive predictive value of 80%. In summary, the available evidence is currently insufficient to determine the role of this variant in disease. Therefore, it has been classified as a Variant of Uncertain Significance.

PreventionGenetics, part of Exact Sciences
Classification: Uncertain significance for TRPM1-related condition. Last evaluated: 2024-05-08. Review status: no assertion criteria provided. Collection method: clinical testing. Allele origin: germline. Not counted in ClinVar's aggregate classification.
Comment: The TRPM1 c.1514T>C variant is predicted to result in the amino acid substitution p.Leu505Pro. To our knowledge, this variant has not been reported in the literature. This variant is reported in 0.0018% of alleles in individuals of European (Non-Finnish) descent in gnomAD. At this time, the clinical significance of this variant is uncertain due to the absence of conclusive functional and genetic evidence.

NM_001252024.2(TRPM1):c.1463T>C (p.Leu488Pro)

Gene: TRPM1 (transient receptor potential cation channel subfamily M member 1; minus strand). Cytogenetic location: 15q13.3.
Variant type: single nucleotide variant.
Coding change: c.1463T>C on transcript NM_001252024.2 (MANE Select); coding-DNA position 1463, T replaced by C.
Protein change: p.Leu488Pro; replaces leucine 488 with proline.
Molecular consequence: missense variant.
Genome position (GRCh38, 1-based): chr15:31,049,484, A>G on the plus strand (T>C on the coding strand, the complement: TRPM1 is on the minus strand). VCF-style: chr15-31049484-A-G. GRCh37 (hg19) VCF-style: chr15-31341687-A-G.
Other names: c.1514T>C, p.Leu505Pro (NM_001252020.2); c.1397T>C, p.Leu466Pro (NM_002420.6); short protein forms L466P, L488P, L505P.
Identifiers: ClinVar variation 3347090 (VCV003347090.2).
Genomic context (GRCh38, chr15:31,049,484, plus strand): 5'-TTCACTCCGTTTTCAATCAGGAGCTTCACAAAGTCGACACGATCTAAGACTAAAGCATCT[A>G]GCATCGCTTGCTCCAAAGCATTCACCTGCAGGGACCAAGGGCCGGGAGCCTGTGAGTGGC-3'
Protein context (NP_001238953.1, residues 478-498): NWVNALEQAM[Leu488Pro]DALVLDRVDF